The following is an entry in ClinVar:

ClinVar aggregate classification (germline): Uncertain significance. Review status: criteria provided, multiple submitters, no conflicts (2 of 4 stars). 8 submissions from 8 submitters: Uncertain significance (8). Last evaluated 2024-12-16.

Conditions:
Intellectual developmental disorder, autosomal recessive 13. Also called: Intellectual disability, autosomal recessive 13. Identifiers: Orphanet 88616, MedGen C2750791, MONDO:0013173, OMIM 613192.
Inborn genetic diseases. Identifiers: MedGen C0950123, MeSH D030342.

Allele frequency attached by ClinVar (database versions not stated): gnomAD 0.00015 and 0.00014; 1000 Genomes Project 30x 0.00031; ESP Exome Variant Server 0.00015; TOPMed 0.00020; gnomAD exomes 0.00011; 1000 Genomes Project 0.00020; ExAC 0.00021.
gnomAD v4.1: 145 of 1,604,902 alleles (0.009%); highest among the groups gnomAD compares: Middle Eastern, 0.4%; no homozygotes.

Submissions (8):

Labcorp Genetics (formerly Invitae), Labcorp
Classification: Uncertain significance. Last evaluated: 2024-12-16. Review status: criteria provided, single submitter. Criteria: Invitae Variant Classification Sherloc (09022015). Collection method: clinical testing. Allele origin: germline.
Comment: This sequence change replaces glycine, which is neutral and non-polar, with serine, which is neutral and polar, at codon 1169 of the TRAPPC9 protein (p.Gly1169Ser). This variant is present in population databases (rs200963473, gnomAD 0.03%). This variant has not been reported in the literature in individuals affected with TRAPPC9-related conditions. ClinVar contains an entry for this variant (Variation ID: 437024). An algorithm developed to predict the effect of missense changes on protein structure and function (PolyPhen-2) suggests that this variant is likely to be disruptive. In summary, the available evidence is currently insufficient to determine the role of this variant in disease. Therefore, it has been classified as a Variant of Uncertain Significance.

Blueprint Genetics
Classification: Uncertain significance. Last evaluated: 2023-05-04. Review status: criteria provided, single submitter. Criteria: ACMG Guidelines, 2015. Collection method: clinical testing. Allele origin: germline.

GeneDx
Classification: Uncertain significance. Last evaluated: 2023-03-17. Review status: criteria provided, single submitter. Criteria: GeneDx Variant Classification Process June 2021. Collection method: clinical testing. Allele origin: germline. Affected: yes.
Comment: In silico analysis supports that this missense variant has a deleterious effect on protein structure/function; Has not been previously published as pathogenic or benign to our knowledge

Ambry Genetics
Classification: Uncertain significance for Inborn genetic diseases. Last evaluated: 2021-07-20. Review status: criteria provided, single submitter. Criteria: Ambry Variant Classification Scheme 2023. Collection method: clinical testing. Allele origin: germline.

Baylor Genetics
Classification: Uncertain significance for Intellectual developmental disorder, autosomal recessive 13. Last evaluated: 2020-01-14. Review status: criteria provided, single submitter. Criteria: ACMG Guidelines, 2015. Collection method: clinical testing. Allele origin: unknown. Affected: yes.
Comment: This variant was determined to be of uncertain significance according to ACMG Guidelines, 2015 [PMID:25741868].

Mayo Clinic Laboratories, Mayo Clinic
Classification: Uncertain significance for Intellectual developmental disorder, autosomal recessive 13. Last evaluated: 2017-06-21. Review status: criteria provided, single submitter. Criteria: ACMG Guidelines, 2015. Collection method: clinical testing. Allele origin: paternal.

Genetic Services Laboratory, University of Chicago
Classification: Uncertain significance. Last evaluated: 2016-04-21. Review status: criteria provided, single submitter. Criteria: ACMG Guidelines, 2015. Collection method: clinical testing. Allele origin: germline. Affected: no.

Breakthrough Genomics
Classification: Uncertain significance. Review status: criteria provided, single submitter. Criteria: ACMG Guidelines, 2015. Collection method: not provided. Allele origin: germline. Inheritance: Autosomal recessive inheritance. Affected: yes.

NM_001160372.4(TRAPPC9):c.3211G>A (p.Gly1071Ser)

Gene: TRAPPC9 (trafficking protein particle complex subunit 9; minus strand). Cytogenetic location: 8q24.3.
Variant type: single nucleotide variant.
Coding change: c.3211G>A on transcript NM_001160372.4 (MANE Select); coding-DNA position 3211, G replaced by A.
Protein change: p.Gly1071Ser; replaces glycine 1071 with serine.
Molecular consequence: missense variant. On other transcripts: non-coding transcript variant (1).
Genome position (GRCh38, 1-based): chr8:139,732,047, C>T on the plus strand (G>A on the coding strand, the complement: TRAPPC9 is on the minus strand). VCF-style: chr8-139732047-C-T. GRCh37 (hg19) VCF-style: chr8-140744290-C-T.
Other names: c.3184G>A, p.Gly1062Ser (NM_001321646.2); c.3232G>A, p.Gly1078Ser (NM_001374682.1); c.3100G>A, p.Gly1034Ser (NM_001374683.1); c.3067G>A, p.Gly1023Ser (NM_001374684.1); c.3211G>A, p.Gly1071Ser (NM_031466.8); short protein forms G1071S, G1169S, G1062S, G1023S, G1034S, G1078S.
Identifiers: ClinVar variation 437024 (VCV000437024.22), dbSNP rs200963473, ClinGen allele CA4892778.